The following is an entry in ClinVar:

ClinVar aggregate classification (germline): Uncertain significance. Review status: criteria provided, multiple submitters, no conflicts (2 of 4 stars). 2 submissions from 2 submitters: Uncertain significance (2). Last evaluated 2023-05-23.

Conditions:
Dilated cardiomyopathy 1W (CMD1W). Identifiers: Orphanet 154, MedGen C1969639, MONDO:0012667, OMIM 611407.

Allele frequency attached by ClinVar (database versions not stated): ExAC 0.00001; gnomAD exomes 0.00001.
gnomAD v4.1: 4 of 1,613,358 alleles (0.00025%); highest among the groups gnomAD compares: South Asian, 0.0011%; no homozygotes.

Submissions (2):

Labcorp Genetics (formerly Invitae), Labcorp
Classification: Uncertain significance for Dilated cardiomyopathy 1W. Last evaluated: 2023-05-23. Review status: criteria provided, single submitter. Criteria: Invitae Variant Classification Sherloc (09022015). Collection method: clinical testing. Allele origin: germline.
Comment: In summary, the available evidence is currently insufficient to determine the role of this variant in disease. Therefore, it has been classified as a Variant of Uncertain Significance. ClinVar contains an entry for this variant (Variation ID: 373608). This premature translational stop signal has been observed in individual(s) with dilated cardiomyopathy (PMID: 32516855). This variant is present in population databases (rs780856981, gnomAD 0.006%). This sequence change creates a premature translational stop signal (p.Arg669*) in the VCL gene. It is expected to result in an absent or disrupted protein product. However, the current clinical and genetic evidence is not sufficient to establish whether loss-of-function variants in VCL cause disease.

GeneDx
Classification: Uncertain significance. Last evaluated: 2016-11-29. Review status: criteria provided, single submitter. Criteria: GeneDx Variant Classification (06012015). Collection method: clinical testing. Allele origin: germline. Affected: yes.
Comment: A variant of uncertain significance has been identified in the VCL gene. The R669X variant has not been published as a pathogenic variant, nor has it been reported as a benign variant to our knowledge. The R669X variant was not observed in approximately 6,500 individuals of European and African American ancestry in the NHLBI Exome Sequencing Project, indicating it is not a common benign variant in these populations. This variant is predicted to cause loss of normal protein function either by protein truncation or nonsense-mediated mRNA decay. However, no nonsense variants in the VCL gene have been reported in the Human Gene Mutation Database to be definitively associated with cardiomyopathy (Stenson et al., 2014), suggesting that loss of function may not be a disease mechanism for the VCL gene. While heterozygous VCL knockout mice (VCL+/-) are viable and lack gross cardiac abnormalities, they appear to be predisposed to cardiac failure when challenged with increased hemodynamic loading, as assessed by transverse aortic constriction (Zemljic-Harpf et al., 2004). Furthermore, cardiomyocyte membrane cortical stiffness was significantly decreased in mice with cardiomyocyte-specific inactivation of one VCL allele, and normal membrane stiffness was rescued when vinculin expression was restored (Tangney et al., 2013). Nevertheless, the role of these phenomena in the development of cardiomyopathy in humans is unclear.Therefore, based on the currently available information, it is unclear whether this variant is pathogenic or rare benign.

Literature cited by the submitters: PubMed 32516855 (cited by Labcorp Genetics (formerly Invitae), Labcorp).

NM_014000.3(VCL):c.2005C>T (p.Arg669Ter)

Gene: VCL (vinculin; plus strand). Cytogenetic location: 10q22.2.
Variant type: single nucleotide variant.
Coding change: c.2005C>T on transcript NM_014000.3 (MANE Select); coding-DNA position 2005, C replaced by T.
Protein change: p.Arg669Ter; replaces arginine 669 with a stop codon.
Molecular consequence: nonsense.
Genome position (GRCh38, 1-based): chr10:74,101,080, C>T. VCF-style: chr10-74101080-C-T. GRCh37 (hg19) VCF-style: chr10-75860838-C-T.
Other names: c.2005C>T, p.Arg669Ter (NM_003373.4); short protein forms R669*.
Identifiers: ClinVar variation 373608 (VCV000373608.6), dbSNP rs780856981, ClinGen allele CA5563134.
Genomic context (GRCh38, chr10:74,101,080, plus strand): 5'-GCGGTTGGTACTGCTAATAAATCAACAGTGGAAGGCATTCAGGCCTCAGTGAAGACGGCC[C>T]GAGAACTCACACCCCAGGTTGGGTTTTGCTCATTCCTCATACAGTGTTCAGTAAAGAAAG-3'